The following is an entry in ClinVar:

ClinVar aggregate classification (germline): Uncertain significance. Review status: criteria provided, multiple submitters, no conflicts (2 of 4 stars). 2 submissions from 2 submitters: Uncertain significance (2). Last evaluated 2022-09-28.

Conditions:
Cardiovascular phenotype. Identifiers: MedGen CN230736.
Alstrom syndrome (ALMS). Identifiers: Orphanet 64, MedGen C0268425, MONDO:0008763, OMIM 203800.

Allele frequency attached by ClinVar (database versions not stated): gnomAD 0.00001; gnomAD exomes 0.00001; TOPMed 0.00001; ExAC 0.00002.
gnomAD v4.1: 13 of 1,613,818 alleles (0.00081%); highest among the groups gnomAD compares: South Asian, 0.0077%; no homozygotes.

Submissions (2):

Labcorp Genetics (formerly Invitae), Labcorp
Classification: Uncertain significance for Alstrom syndrome. Last evaluated: 2022-09-28. Review status: criteria provided, single submitter. Criteria: Invitae Variant Classification Sherloc (09022015). Collection method: clinical testing. Allele origin: germline.
Comment: This sequence change replaces arginine, which is basic and polar, with glutamine, which is neutral and polar, at codon 4149 of the ALMS1 protein (p.Arg4149Gln). The frequency data for this variant in the population databases is considered unreliable, as metrics indicate poor data quality at this position in the gnomAD database. This variant has not been reported in the literature in individuals affected with ALMS1-related conditions. Experimental studies and prediction algorithms are not available or were not evaluated, and the functional significance of this variant is currently unknown. In summary, the available evidence is currently insufficient to determine the role of this variant in disease. Therefore, it has been classified as a Variant of Uncertain Significance.

Ambry Genetics
Classification: Uncertain significance for Cardiovascular phenotype. Last evaluated: 2022-08-17. Review status: criteria provided, single submitter. Criteria: Ambry Variant Classification Scheme 2023. Collection method: clinical testing. Allele origin: germline.

NM_001378454.1(ALMS1):c.12443G>A (p.Arg4148Gln)

Gene: ALMS1 (ALMS1 centrosome and basal body associated protein; plus strand). Cytogenetic location: 2p13.1.
Variant type: single nucleotide variant.
Coding change: c.12443G>A on transcript NM_001378454.1 (MANE Select); coding-DNA position 12443, G replaced by A.
Protein change: p.Arg4148Gln; replaces arginine 4148 with glutamine.
Molecular consequence: missense variant.
Genome position (GRCh38, 1-based): chr2:73,608,555, G>A. VCF-style: chr2-73608555-G-A. GRCh37 (hg19) VCF-style: chr2-73835682-G-A.
Other names: c.12446G>A, p.Arg4149Gln (NM_015120.4); short protein forms R4148Q, R4149Q.
Identifiers: ClinVar variation 2138499 (VCV002138499.2), dbSNP rs756595937, ClinGen allele CA1715582.
Genomic context (GRCh38, chr2:73,608,555, plus strand): 5'-AAGTACAGAAAAAGAGAGAAGAAGAGAAGAGAAAATCAGAATATAAGTCATACCGGCTGC[G>A]AGCCCAGCTATATAAAAAGGTCAGTGGGTCCTCTGTCTAGAGTGGGATGGATCAGGTTTA-3'
Protein context (NP_001365383.1, residues 4138-4158): RKSEYKSYRL[Arg4148Gln]AQLYKKRVTN